The following is an entry in ClinVar:

ClinVar aggregate classification (germline): Likely pathogenic (1 of 4 stars; one submission).

Conditions:
Pyruvate carboxylase deficiency. Also called: Pyruvate Carboxylase Deficiency Disease; LEIGH NECROTIZING ENCEPHALOPATHY DUE TO PYRUVATE CARBOXYLASE DEFICIENCY; LEIGH SYNDROME DUE TO PYRUVATE CARBOXYLASE DEFICIENCY; PC DEFICIENCY; ATAXIA WITH LACTIC ACIDOSIS II. Identifiers: Orphanet 3008, MedGen C0034341, MONDO:0009949, OMIM 266150.

Allele frequency attached by ClinVar (database versions not stated): gnomAD exomes below 0.00001 and 0.00001; TOPMed below 0.00001; ExAC 0.00001; gnomAD 0.00001.
gnomAD v4.1: 2 of 1,608,074 alleles (0.00012%); highest among the groups gnomAD compares: Non-Finnish European, 0.00017%; no homozygotes.

Submission:

Labcorp Genetics (formerly Invitae), Labcorp
Classification: Likely pathogenic for Pyruvate carboxylase deficiency. Last evaluated: 2021-10-24. Review status: criteria provided, single submitter. Criteria: Invitae Variant Classification Sherloc (09022015). Collection method: clinical testing. Allele origin: germline.
Comment: Algorithms developed to predict the effect of sequence changes on RNA splicing suggest that this variant may disrupt the consensus splice site. This variant has not been reported in the literature in individuals affected with PC-related conditions. This variant is present in population databases (rs755640269, ExAC 0.002%). This sequence change affects a donor splice site in intron 11 of the PC gene. It is expected to disrupt RNA splicing. Variants that disrupt the donor or acceptor splice site typically lead to a loss of protein function (PMID: 16199547), and loss-of-function variants in PC are known to be pathogenic (PMID: 12112657, 19306334). In summary, the currently available evidence indicates that the variant is pathogenic, but additional data are needed to prove that conclusively. Therefore, this variant has been classified as Likely Pathogenic.

Literature cited by the submitters: PubMed 16199547; PubMed 12112657; PubMed 19306334.

NM_001040716.2(PC):c.1368+1G>T

Gene: PC (pyruvate carboxylase; minus strand). Cytogenetic location: 11q13.2.
Variant type: single nucleotide variant.
Coding change: c.1368+1G>T on transcript NM_001040716.2 (MANE Select); the canonical splice donor site of the intron after coding-DNA position 1368, G replaced by T.
Molecular consequence: splice donor variant.
Genome position (GRCh38, 1-based): chr11:66,863,773, C>A on the plus strand (G>T on the coding strand, the complement: PC is on the minus strand). VCF-style: chr11-66863773-C-A. GRCh37 (hg19) VCF-style: chr11-66631244-C-A.
Other names: c.1368+1G>T (NM_000920.4, NM_022172.3).
Identifiers: ClinVar variation 1470604 (VCV001470604.6), dbSNP rs755640269, ClinGen allele CA6131911.